The following is an entry in ClinVar:

ClinVar aggregate classification (germline): Uncertain significance (1 of 4 stars; one submission).

Submission:

GeneDx
Classification: Uncertain significance. Last evaluated: 2023-02-21. Review status: criteria provided, single submitter. Criteria: GeneDx Variant Classification Process June 2021. Collection method: clinical testing. Allele origin: germline. Affected: yes.
Comment: Not observed at significant frequency in large population cohorts (gnomAD); In silico analysis supports that this missense variant has a deleterious effect on protein structure/function; Has not been previously published as pathogenic or benign to our knowledge

NM_015107.3(PHF8):c.1293A>C (p.Lys431Asn)

Gene: PHF8 (PHD finger protein 8; minus strand). Cytogenetic location: Xp11.22.
Variant type: single nucleotide variant.
Coding change: c.1293A>C on transcript NM_015107.3 (MANE Select); coding-DNA position 1293, A replaced by C.
Protein change: p.Lys431Asn; replaces lysine 431 with asparagine.
Molecular consequence: missense variant.
Genome position (GRCh38, 1-based): chrX:53,995,723, T>G on the plus strand (A>C on the coding strand, the complement: PHF8 is on the minus strand). VCF-style: chrX-53995723-T-G. GRCh37 (hg19) VCF-style: chrX-54022156-T-G.
Other names: c.1401A>C, p.Lys467Asn (NM_001184896.1); c.1293A>C, p.Lys431Asn (NM_001184897.2, NM_001184898.2); short protein forms K431N, K467N.
Identifiers: ClinVar variation 2576710 (VCV002576710.1), dbSNP rs2519581169, ClinGen allele CA413258835.